The following is an entry in ClinVar:

NM_198999.3(SLC26A5):c.1335T>C (p.Ile445=)

Gene: SLC26A5 (solute carrier family 26 member 5; minus strand). Cytogenetic location: 7q22.1.
Variant type: single nucleotide variant.
Coding change: c.1335T>C on transcript NM_198999.3 (MANE Select); coding-DNA position 1335, T replaced by C.
Protein change: p.Ile445=; no amino-acid change (isoleucine 445 retained).
Molecular consequence: synonymous variant. On other transcripts: non-coding transcript variant (1), intron variant (3).
Genome position (GRCh38, 1-based): chr7:103,389,401, A>G on the plus strand (T>C on the coding strand, the complement: SLC26A5 is on the minus strand). VCF-style: chr7-103389401-A-G. GRCh37 (hg19) VCF-style: chr7-103029848-A-G.
Other names: c.1335T>C, p.Ile445= (NM_206883.3, NM_206884.3); c.971+8531T>C (NM_206885.3); c.1312-287T>C (NM_001321787.2, NM_001167962.2).
Identifiers: ClinVar variation 165270 (VCV000165270.49), dbSNP rs142639517, ClinGen allele CA178005.

ClinVar aggregate classification (germline): Benign/Likely benign. Review status: criteria provided, multiple submitters, no conflicts (2 of 4 stars). 6 submissions from 6 submitters: Benign (3); Likely benign (3). Last evaluated 2026-01-26.

Allele frequency attached by ClinVar (database versions not stated): 1000 Genomes Project 30x 0.00156; 1000 Genomes Project 0.00180; TOPMed 0.00325; gnomAD 0.00349 and 0.00364; gnomAD exomes 0.00350 and 0.00547; ExAC 0.00389; ESP Exome Variant Server 0.00477.
gnomAD v4.1: 8,497 of 1,614,050 alleles (0.53%); highest among the groups gnomAD compares: Non-Finnish European, 0.65%; 36 homozygotes.

Submissions (6):

Labcorp Genetics (formerly Invitae), Labcorp
Classification: Benign. Last evaluated: 2026-01-26. Review status: criteria provided, single submitter. Criteria: Invitae Variant Classification Sherloc (09022015). Collection method: clinical testing. Allele origin: germline.

Blueprint Genetics
Classification: Likely benign. Last evaluated: 2024-11-26. Review status: criteria provided, single submitter. Criteria: ACMG Guidelines, 2015. Collection method: clinical testing. Allele origin: germline.

CeGaT Center for Human Genetics Tuebingen
Classification: Likely benign. Last evaluated: 2023-04-01. Review status: criteria provided, single submitter. Criteria: CeGaT Center For Human Genetics Tuebingen Variant Classification Criteria Version 2. Collection method: clinical testing. Allele origin: germline. Affected: yes. Observed: 2 variant alleles.
Comment: SLC26A5: BP4, BP7, BS2

GeneDx
Classification: Benign. Last evaluated: 2018-07-10. Review status: criteria provided, single submitter. Criteria: GeneDx Variant Classification Process June 2021. Collection method: clinical testing. Allele origin: germline. Affected: yes.

Eurofins Ntd Llc (ga)
Classification: Likely benign. Last evaluated: 2016-07-08. Review status: criteria provided, single submitter. Criteria: EGL Classification Definitions 2015. Collection method: clinical testing. Allele origin: germline. Observed: 1 variant allele, 1 heterozygote.

Laboratory for Molecular Medicine, Mass General Brigham Personalized Medicine
Classification: Benign. Last evaluated: 2012-04-30. Review status: criteria provided, single submitter. Criteria: LMM Criteria. Collection method: clinical testing. Allele origin: germline. Observed: 1 variant allele.
Comment: Ile445Ile in Exon 13 of SLC26A5: This variant is not expected to have clinical s ignificance because it does not alter an amino acid residue, is not located with in the splice consensus sequence, and has been identified in 0.6% (43/7020) of E uropean American chromosomes from a broad population by the NHLBI Exome Sequenci ng Project (dbSNP rs142639517).